The following is an entry in ClinVar:

NM_207346.3(TSEN54):c.54C>T (p.Leu18=)

Genes: TSEN54 (tRNA splicing endonuclease subunit 54; plus strand), LOC112533671 (Sharpr-MPRA regulatory region 12010; plus strand). Cytogenetic location: 17q25.1.
Variant type: single nucleotide variant.
Coding change: c.54C>T on transcript NM_207346.3 (MANE Select); coding-DNA position 54, C replaced by T.
Protein change: p.Leu18=; no amino-acid change (leucine 18 retained).
Molecular consequence: synonymous variant.
Genome position (GRCh38, 1-based): chr17:75,516,614, C>T. VCF-style: chr17-75516614-C-T. GRCh37 (hg19) VCF-style: chr17-73512695-C-T.
Identifiers: ClinVar variation 4987807 (VCV004987807.1).
Genomic context (GRCh38, chr17:75,516,614, plus strand): 5'-CGGCGGGATGGAGCCCGAGCCCGAGCCCGCGGCCGTGGAGGTTCCCGCGGGGCGCGTGCT[C>T]AGGTGCGGCGCGGCCCGGCCGGAGTGGGTGTCGGGGGCGCGGGGCCAGCGCGGGTAGGGA-3'
Protein context (NP_997229.2, residues 8-28): AAVEVPAGRV[Leu18=]SARELFAARS

ClinVar aggregate classification (germline): Likely benign (1 of 4 stars; one submission).

Conditions:
TSEN54-related disorder. Also called: TSEN54-related condition.

gnomAD v4.1: 1 of 1,184,308 alleles (0.000084%); highest among the groups gnomAD compares: Non-Finnish European, 0.0001%; no homozygotes.

Submission:

PreventionGenetics, part of Exact Sciences
Classification: Likely benign for TSEN54-related condition. Last evaluated: 2024-10-27. Review status: criteria provided, single submitter. Criteria: ACMG Guidelines, 2015. Collection method: clinical testing. Allele origin: germline.
Comment: This variant is classified as likely benign based on ACMG/AMP sequence variant interpretation guidelines (Richards et al. 2015 PMID: 25741868, with internal and published modifications).